The following is an entry in ClinVar:

ClinVar aggregate classification (germline): Uncertain significance (1 of 4 stars; one submission).

Conditions:
Inborn genetic diseases. Identifiers: MedGen C0950123, MeSH D030342.

Submission:

Ambry Genetics
Classification: Uncertain significance for Inborn genetic diseases. Last evaluated: 2026-01-22. Review status: criteria provided, single submitter. Criteria: Ambry Variant Classification Scheme 2023. Collection method: clinical testing. Allele origin: germline.
Comment: The p.R388S variant (also known as c.1164A>C), located in coding exon 13 of the FANCA gene, results from an A to C substitution at nucleotide position 1164. The arginine at codon 388 is replaced by serine, an amino acid with dissimilar properties. This amino acid position is conserved. In addition, this alteration is predicted to be tolerated by in silico analysis. Based on the available evidence, the clinical significance of this variant remains unclear.

NM_000135.4(FANCA):c.1164A>C (p.Arg388Ser)

Gene: FANCA (FA complementation group A; minus strand). Cytogenetic location: 16q24.3.
Variant type: single nucleotide variant.
Coding change: c.1164A>C on transcript NM_000135.4 (MANE Select); coding-DNA position 1164, A replaced by C.
Protein change: p.Arg388Ser; replaces arginine 388 with serine.
Molecular consequence: missense variant.
Genome position (GRCh38, 1-based): chr16:89,791,988, T>G on the plus strand (A>C on the coding strand, the complement: FANCA is on the minus strand). VCF-style: chr16-89791988-T-G. GRCh37 (hg19) VCF-style: chr16-89858396-T-G.
Other names: c.1164A>C, p.Arg388Ser (NM_001286167.3); short protein forms R388S.
Identifiers: ClinVar variation 4824589 (VCV004824589.1).